The following is an entry in ClinVar:

NM_004055.5(CAPN5):c.74T>C (p.Val25Ala)

Gene: CAPN5 (calpain 5; plus strand). Cytogenetic location: 11q13.5.
Variant type: single nucleotide variant.
Coding change: c.74T>C on transcript NM_004055.5 (MANE Select); coding-DNA position 74, T replaced by C.
Protein change: p.Val25Ala; replaces valine 25 with alanine.
Molecular consequence: missense variant.
Genome position (GRCh38, 1-based): chr11:77,084,960, T>C. VCF-style: chr11-77084960-T-C. GRCh37 (hg19) VCF-style: chr11-76796006-T-C.
Other names: short protein forms V25A.
Identifiers: ClinVar variation 855352 (VCV000855352.11), dbSNP rs1591117022, ClinGen allele CA381926909.

ClinVar aggregate classification (germline): Uncertain significance. Review status: criteria provided, multiple submitters, no conflicts (2 of 4 stars). 2 submissions from 2 submitters: Uncertain significance (2). Last evaluated 2024-06-26.

Conditions:
Inborn genetic diseases. Identifiers: MedGen C0950123, MeSH D030342.

Allele frequency attached by ClinVar (database versions not stated): TOPMed 0.00001.

Submissions (2):

Ambry Genetics
Classification: Uncertain significance for Inborn genetic diseases. Last evaluated: 2024-06-26. Review status: criteria provided, single submitter. Criteria: Ambry Variant Classification Scheme 2023. Collection method: clinical testing. Allele origin: germline.

Labcorp Genetics (formerly Invitae), Labcorp
Classification: Uncertain significance. Last evaluated: 2020-12-28. Review status: criteria provided, single submitter. Criteria: Invitae Variant Classification Sherloc (09022015). Collection method: clinical testing. Allele origin: germline.
Comment: This sequence change replaces valine with alanine at codon 25 of the CAPN5 protein (p.Val25Ala). The valine residue is moderately conserved and there is a small physicochemical difference between valine and alanine. This variant is not present in population databases (ExAC no frequency). This variant has not been reported in the literature in individuals with CAPN5-related conditions. Algorithms developed to predict the effect of missense changes on protein structure and function (SIFT, PolyPhen-2, Align-GVGD) all suggest that this variant is likely to be tolerated, but these predictions have not been confirmed by published functional studies and their clinical significance is uncertain. In summary, the available evidence is currently insufficient to determine the role of this variant in disease. Therefore, it has been classified as a Variant of Uncertain Significance.